The following is an entry in ClinVar:

NM_000552.5(VWF):c.161C>T (p.Ala54Val)

Gene: VWF (von Willebrand factor; minus strand). Cytogenetic location: 12p13.31.
Variant type: single nucleotide variant.
Coding change: c.161C>T on transcript NM_000552.5 (MANE Select); coding-DNA position 161, C replaced by T.
Protein change: p.Ala54Val; replaces alanine 54 with valine.
Molecular consequence: missense variant.
Genome position (GRCh38, 1-based): chr12:6,121,233, G>A on the plus strand (C>T on the coding strand, the complement: VWF is on the minus strand). VCF-style: chr12-6121233-G-A. GRCh37 (hg19) VCF-style: chr12-6230399-G-A.
Other names: short protein forms A54V.
Identifiers: ClinVar variation 2662067 (VCV002662067.2), dbSNP rs200901782, ClinGen allele CA6403881.

ClinVar aggregate classification (germline): Uncertain significance. Review status: criteria provided, multiple submitters, no conflicts (2 of 4 stars). 2 submissions from 2 submitters: Uncertain significance (2). Last evaluated 2025-04-13.

Conditions:
Inborn genetic diseases. Identifiers: MedGen C0950123, MeSH D030342.

Allele frequency attached by ClinVar (database versions not stated): gnomAD 0.00003; gnomAD exomes 0.00003; TOPMed 0.00005; ExAC 0.00007.
gnomAD v4.1: 42 of 1,614,068 alleles (0.0026%); highest among the groups gnomAD compares: Admixed American, 0.0033%; no homozygotes.

Submissions (2):

Ambry Genetics
Classification: Uncertain significance for Inborn genetic diseases. Last evaluated: 2025-04-13. Review status: criteria provided, single submitter. Criteria: Ambry Variant Classification Scheme 2023. Collection method: clinical testing. Allele origin: germline.

GeneDx
Classification: Uncertain significance. Last evaluated: 2023-05-17. Review status: criteria provided, single submitter. Criteria: GeneDx Variant Classification Process June 2021. Collection method: clinical testing. Allele origin: germline. Affected: yes.
Comment: In silico analysis supports that this missense variant does not alter protein structure/function; Has not been previously published as pathogenic or benign to our knowledge